The following is an entry in ClinVar:

NM_001372.4(DNAH9):c.4936A>T (p.Ser1646Cys)

Genes: DNAH9 (dynein axonemal heavy chain 9; plus strand), LOC126862506 (BRD4-independent group 4 enhancer GRCh37_chr17:11602804-11604003; plus strand). Cytogenetic location: 17p12.
Variant type: single nucleotide variant.
Coding change: c.4936A>T on transcript NM_001372.4 (MANE Select); coding-DNA position 4936, A replaced by T.
Protein change: p.Ser1646Cys; replaces serine 1646 with cysteine.
Molecular consequence: missense variant.
Genome position (GRCh38, 1-based): chr17:11,699,794, A>T. VCF-style: chr17-11699794-A-T. GRCh37 (hg19) VCF-style: chr17-11603111-A-T.
Other names: short protein forms S1646C.
Identifiers: ClinVar variation 3371579 (VCV003371579.1).
Genomic context (GRCh38, chr17:11,699,794, plus strand): 5'-CAACGTCACCTTTCCAAACTCTTTGACAACATGGCCAAGATGCGATTCCAGCTAGATGCC[A>T]GTGGGGAACCAACCAAGACAAGCCTCGGCATGTACAGCAAAGAAGAGGAGTATGTGGCTT-3'
Protein context (NP_001363.2, residues 1636-1656): MAKMRFQLDA[Ser1646Cys]GEPTKTSLGM

ClinVar aggregate classification (germline): Uncertain significance (1 of 4 stars; one submission).

gnomAD v4.1: 6 of 1,614,080 alleles (0.00037%); highest among the groups gnomAD compares: Non-Finnish European, 0.00042%; no homozygotes.

Submission:

GeneDx
Classification: Uncertain significance. Last evaluated: 2024-03-25. Review status: criteria provided, single submitter. Criteria: GeneDx Variant Classification Process June 2021. Collection method: clinical testing. Allele origin: germline. Affected: yes.
Comment: In silico analysis supports that this missense variant has a deleterious effect on protein structure/function; Has not been previously published as pathogenic or benign to our knowledge